The following is an entry in ClinVar:

ClinVar aggregate classification (germline): Pathogenic (1 of 4 stars; one submission).

Conditions:
Cornelia de Lange syndrome 1 (CDLS1). Also called: Brachmann de Lange syndrome; NIPBL-Related Cornelia de Lange Syndrome; TYPUS DEGENERATIVUS AMSTELODAMENSIS. Identifiers: Orphanet 199, MedGen C4551851, MONDO:0007387, OMIM 122470.

Submission:

Labcorp Genetics (formerly Invitae), Labcorp
Classification: Pathogenic for Cornelia de Lange syndrome 1. Last evaluated: 2022-09-05. Review status: criteria provided, single submitter. Criteria: Invitae Variant Classification Sherloc (09022015). Collection method: clinical testing. Allele origin: germline.
Comment: This sequence change falls in intron 35 of the NIPBL gene. It does not directly change the encoded amino acid sequence of the NIPBL protein. It affects a nucleotide within the consensus splice site. This variant is not present in population databases (gnomAD no frequency). This variant has been observed in individual(s) with Cornelia de Lange syndrome (Invitae). In at least one individual the variant was observed to be de novo. Variants that disrupt the consensus splice site are a relatively common cause of aberrant splicing (PMID: 17576681, 9536098). Algorithms developed to predict the effect of sequence changes on RNA splicing suggest that this variant may disrupt the consensus splice site. For these reasons, this variant has been classified as Pathogenic.

Literature cited by the submitters: PubMed 17576681; PubMed 9536098.

NM_133433.4(NIPBL):c.6249+5G>A

Gene: NIPBL (NIPBL cohesin loading factor; plus strand). Cytogenetic location: 5p13.2.
Variant type: single nucleotide variant.
Coding change: c.6249+5G>A on transcript NM_133433.4 (MANE Select); 5 bases into the intron after coding-DNA position 6249, G replaced by A.
Molecular consequence: intron variant.
Genome position (GRCh38, 1-based): chr5:37,044,492, G>A. VCF-style: chr5-37044492-G-A. GRCh37 (hg19) VCF-style: chr5-37044594-G-A.
Other names: c.6249+5G>A (NM_015384.5).
Identifiers: ClinVar variation 2088087 (VCV002088087.4), dbSNP rs2478577140, ClinGen allele CA2580073214.